The following is an entry in ClinVar:

NM_025114.4(CEP290):c.4972del (p.Thr1658fs)

Gene: CEP290 (centrosomal protein 290; minus strand). Cytogenetic location: 12q21.32.
Variant type: Deletion.
Coding change: c.4972del on transcript NM_025114.4 (MANE Select); coding-DNA position 4972, one base deleted (A; older notation c.4972delA).
Protein change: p.Thr1658fs; shifts the reading frame from threonine 1658.
Molecular consequence: frameshift variant.
Genome position (GRCh38, 1-based): chr12:88,083,071, T deleted on the plus strand (A on the coding strand, the reverse complement: CEP290 is on the minus strand). VCF-style (leftmost placement, unchanged base first): chr12-88083070-GT-G. GRCh37 (hg19) VCF-style: chr12-88476847-GT-G.
Other names: short protein forms T1658fs.
Identifiers: ClinVar variation 5015086 (VCV005015086.1).

ClinVar aggregate classification (germline): Pathogenic (1 of 4 stars; one submission).

Conditions:
CEP290-related ciliopathy. Also called: CEP290 ciliopathy. Identifiers: MedGen CN305601, MONDO:0100451.

Submission:

Myriad Genetics, Inc.
Classification: Pathogenic for CEP290-related ciliopathy. Last evaluated: 2025-10-12. Review status: criteria provided, single submitter. Criteria: Myriad Autosomal Dominant, Autosomal Recessive and X-Linked Classification Criteria (2023). Collection method: clinical testing. Allele origin: unknown.
Comment: NM_025114.3(CEP290):c.4972delA(T1658Lfs*3) is expected to be pathogenic in the context of CEP290-related disorders. This variant is predicted to lead to an abnormal or absent protein product due to the creation of a premature termination codon in CEP290, a gene where loss-of-function variants are known to be pathogenic. Please note: this variant was assessed in the context of healthy population screening.